The following is an entry in ClinVar:

NM_001123392.4(TBC1D3H):c.1334G>A (p.Gly445Asp)

Gene: TBC1D3H (TBC1 domain family member 3H; minus strand). Cytogenetic location: 17q12.
Variant type: single nucleotide variant.
Coding change: c.1334G>A on transcript NM_001123392.4 (MANE Select); coding-DNA position 1334, G replaced by A.
Protein change: p.Gly445Asp; replaces glycine 445 with aspartic acid.
Molecular consequence: missense variant.
Genome position (GRCh38, 1-based): chr17:36,378,162, C>T on the plus strand (G>A on the coding strand, the complement: TBC1D3H is on the minus strand). VCF-style: chr17-36378162-C-T. GRCh37 (hg19) VCF-style: chr17-34746750-C-T.
Other names: short protein forms G445D.
Identifiers: ClinVar variation 2345180 (VCV002345180.3), dbSNP rs1175253508, ClinGen allele CA399247012.

ClinVar aggregate classification (germline): Uncertain significance (1 of 4 stars; one submission).

Submission:

Ambry Genetics
Classification: Uncertain significance. Last evaluated: 2026-02-25. Review status: criteria provided, single submitter. Criteria: Ambry Variant Classification Scheme 2023. Collection method: clinical testing. Allele origin: germline.
Comment: The c.1334G>A (p.G445D) alteration is located in exon 14 (coding exon 13) of the TBC1D3H gene. This alteration results from a G to A substitution at nucleotide position 1334, causing the glycine (G) at amino acid position 445 to be replaced by an aspartic acid (D). Based on data from gnomAD, the A allele has an overall frequency of 2.439% (2/82) total alleles studied. The highest observed frequency was 2.857% (2/70) of African alleles. Based on insufficient or conflicting evidence, the clinical significance of this alteration remains unclear.